The following is an entry in ClinVar:

NM_032242.4(PLXNA1):c.4442C>T (p.Thr1481Met)

Gene: PLXNA1 (plexin A1; plus strand). Cytogenetic location: 3q21.3.
Variant type: single nucleotide variant.
Coding change: c.4442C>T on transcript NM_032242.4 (MANE Select); coding-DNA position 4442, C replaced by T.
Protein change: p.Thr1481Met; replaces threonine 1481 with methionine.
Molecular consequence: missense variant.
Genome position (GRCh38, 1-based): chr3:127,028,019, C>T. VCF-style: chr3-127028019-C-T. GRCh37 (hg19) VCF-style: chr3-126746862-C-T.
Other names: short protein forms T1481M.
Identifiers: ClinVar variation 4569746 (VCV004569746.2).

ClinVar aggregate classification (germline): Uncertain significance. Review status: criteria provided, multiple submitters, no conflicts (2 of 4 stars). 2 submissions from 2 submitters: Uncertain significance (2). Last evaluated 2026-05-10.

Conditions:
PLXNA1-related disorder. Also called: PLXNA1-related condition.

gnomAD v4.1: 12 of 1,613,928 alleles (0.00074%); highest among the groups gnomAD compares: South Asian, 0.0099%; no homozygotes.

Submissions (2):

PreventionGenetics, part of Exact Sciences
Classification: Uncertain significance for PLXNA1-related condition. Last evaluated: 2026-05-10. Review status: criteria provided, single submitter. Criteria: ACMG Guidelines, 2015. Collection method: clinical testing. Allele origin: germline.
Comment: The PLXNA1 c.4442C>T variant is predicted to result in the amino acid substitution p.Thr1481Met. To our knowledge, this variant has not been reported in the literature. This variant is reported in 0.0098% of alleles in individuals of South Asian descent in gnomAD. At this time, the clinical significance of this variant is uncertain due to the absence of conclusive functional and genetic evidence.

Ambry Genetics
Classification: Uncertain significance. Last evaluated: 2025-11-12. Review status: criteria provided, single submitter. Criteria: Ambry Variant Classification Scheme 2023. Collection method: clinical testing. Allele origin: germline.